The following is an entry in ClinVar:

NM_017654.4(SAMD9):c.1240A>G (p.Ile414Val)

Gene: SAMD9 (sterile alpha motif domain containing 9; minus strand). Cytogenetic location: 7q21.2.
Variant type: single nucleotide variant.
Coding change: c.1240A>G on transcript NM_017654.4 (MANE Select); coding-DNA position 1240, A replaced by G.
Protein change: p.Ile414Val; replaces isoleucine 414 with valine.
Molecular consequence: missense variant.
Genome position (GRCh38, 1-based): chr7:93,104,858, T>C on the plus strand (A>G on the coding strand, the complement: SAMD9 is on the minus strand). VCF-style: chr7-93104858-T-C. GRCh37 (hg19) VCF-style: chr7-92734171-T-C.
Other names: c.1240A>G, p.Ile414Val (NM_001193307.2); short protein forms I414V.
Identifiers: ClinVar variation 3363748 (VCV003363748.1).

ClinVar aggregate classification (germline): Uncertain significance (1 of 4 stars; one submission).

gnomAD v4.1: 1 of 1,613,660 alleles (0.000062%); highest among the groups gnomAD compares: Non-Finnish European, 0.000085%; no homozygotes.

Submission:

GeneDx
Classification: Uncertain significance. Last evaluated: 2023-11-02. Review status: criteria provided, single submitter. Criteria: GeneDx Variant Classification Process June 2021. Collection method: clinical testing. Allele origin: germline. Affected: yes.
Comment: Not observed at significant frequency in large population cohorts (gnomAD); In silico analysis supports that this missense variant does not alter protein structure/function; Has not been previously published as pathogenic or benign to our knowledge